The following is an entry in ClinVar:

NM_001378778.1(MPDZ):c.1739C>G (p.Ser580Cys)

Gene: MPDZ (multiple PDZ domain crumbs cell polarity complex component; minus strand). Cytogenetic location: 9p23.
Variant type: single nucleotide variant.
Coding change: c.1739C>G on transcript NM_001378778.1 (MANE Select); coding-DNA position 1739, C replaced by G.
Protein change: p.Ser580Cys; replaces serine 580 with cysteine.
Molecular consequence: missense variant.
Genome position (GRCh38, 1-based): chr9:13,193,231, G>C on the plus strand (C>G on the coding strand, the complement: MPDZ is on the minus strand). VCF-style: chr9-13193231-G-C. GRCh37 (hg19) VCF-style: chr9-13193230-G-C.
Other names: c.1739C>G, p.Ser580Cys (NM_001261406.2, NM_001261407.2, NM_001330637.2 and 14 more transcripts); c.1739C>G (NM_003829.4); short protein forms S580C.
Identifiers: ClinVar variation 1045480 (VCV001045480.13), dbSNP rs149265684, ClinGen allele CA4987686.

ClinVar aggregate classification (germline): Uncertain significance. Review status: criteria provided, multiple submitters, no conflicts (2 of 4 stars). 4 submissions from 4 submitters: Uncertain significance (3). 1 of the submissions does not count toward it. Last evaluated 2025-01-29.

Conditions:
Hydrocephalus, nonsyndromic, autosomal recessive 2. Also called: Hydrocephalus, congenital, 2, with or without brain or eye anomalies. Identifiers: Orphanet 2185, MedGen C3554691, MONDO:0014085, OMIM 615219.
Meniere disease. Also called: Ménière's disease. Identifiers: MedGen C0025281, MONDO:0007972, OMIM 156000.
Autosomal dominant retinitis pigmentosa. Identifiers: MedGen C0339525.

Allele frequency attached by ClinVar (database versions not stated): TOPMed 0.00014; ESP Exome Variant Server 0.00016; 1000 Genomes Project 0.00060; 1000 Genomes Project 30x 0.00078.
gnomAD v4.1: 604 of 1,612,224 alleles (0.037%); highest among the groups gnomAD compares: Non-Finnish European, 0.049%; no homozygotes.

Submissions (4):

Labcorp Genetics (formerly Invitae), Labcorp
Classification: Uncertain significance. Last evaluated: 2025-01-29. Review status: criteria provided, single submitter. Criteria: Invitae Variant Classification Sherloc (09022015). Collection method: clinical testing. Allele origin: germline.
Comment: This sequence change replaces serine, which is neutral and polar, with cysteine, which is neutral and slightly polar, at codon 580 of the MPDZ protein (p.Ser580Cys). This variant is present in population databases (rs149265684, gnomAD 0.05%). This variant has not been reported in the literature in individuals affected with MPDZ-related conditions. ClinVar contains an entry for this variant (Variation ID: 1045480). An algorithm developed to predict the effect of missense changes on protein structure and function (PolyPhen-2) suggests that this variant is likely to be disruptive. In summary, the available evidence is currently insufficient to determine the role of this variant in disease. Therefore, it has been classified as a Variant of Uncertain Significance.

Blueprint Genetics
Classification: Uncertain significance. Last evaluated: 2024-11-21. Review status: criteria provided, single submitter. Criteria: ACMG Guidelines, 2015. Collection method: clinical testing. Allele origin: germline.

Revvity Omics, Revvity
Classification: Uncertain significance for Hydrocephalus, nonsyndromic, autosomal recessive 2. Last evaluated: 2021-01-05. Review status: criteria provided, single submitter. Criteria: ACMG Guidelines, 2015. Collection method: clinical testing. Allele origin: germline.

Center for Computational Biology & Bioinformatics, University of California, San Diego
Classification: Uncertain significance for Meniere disease. Last evaluated: 2024-06-03. Review status: no assertion criteria provided. Collection method: research. Allele origin: germline. Affected: yes. Not counted in ClinVar's aggregate classification.